The following is an entry in ClinVar:

ClinVar aggregate classification (germline): Uncertain significance (1 of 4 stars; one submission).

Conditions:
Brugada syndrome 4 (BRGDA4). Identifiers: Orphanet 130, MedGen C2678477, MONDO:0012743, OMIM 611876.

Submission:

Labcorp Genetics (formerly Invitae), Labcorp
Classification: Uncertain significance for Brugada syndrome 4. Last evaluated: 2023-01-01. Review status: criteria provided, single submitter. Criteria: Invitae Variant Classification Sherloc (09022015). Collection method: clinical testing. Allele origin: germline.
Comment: In summary, the available evidence is currently insufficient to determine the role of this variant in disease. Therefore, it has been classified as a Variant of Uncertain Significance. Advanced modeling of protein sequence and biophysical properties (such as structural, functional, and spatial information, amino acid conservation, physicochemical variation, residue mobility, and thermodynamic stability) performed at Invitae indicates that this missense variant is expected to disrupt CACNB2 protein function. This variant has not been reported in the literature in individuals affected with CACNB2-related conditions. This variant is not present in population databases (gnomAD no frequency). This sequence change replaces valine, which is neutral and non-polar, with alanine, which is neutral and non-polar, at codon 317 of the CACNB2 protein (p.Val317Ala).

NM_201596.3(CACNB2):c.1112T>C (p.Val371Ala)

Gene: CACNB2 (calcium voltage-gated channel auxiliary subunit beta 2; plus strand). Cytogenetic location: 10p12.31.
Variant type: single nucleotide variant.
Coding change: c.1112T>C on transcript NM_201596.3 (MANE Select); coding-DNA position 1112, T replaced by C.
Protein change: p.Val371Ala; replaces valine 371 with alanine.
Molecular consequence: missense variant.
Genome position (GRCh38, 1-based): chr10:18,534,133, T>C. VCF-style: chr10-18534133-T-C. GRCh37 (hg19) VCF-style: chr10-18823062-T-C.
Other names: c.947T>C, p.Val316Ala (NM_000724.4); c.914T>C, p.Val305Ala (NM_001167945.2); c.833T>C, p.Val278Ala (NM_001330060.2); c.854T>C, p.Val285Ala (NM_001410882.1); c.968T>C, p.Val323Ala (NM_201570.3); c.1028T>C, p.Val343Ala (NM_201571.4); c.956T>C, p.Val319Ala (NM_201572.4); c.950T>C, p.Val317Ala (NM_201590.3); and 2 more; short protein forms V285A, V316A, V343A, V319A, V347A, V371A, V305A, V317A.
Identifiers: ClinVar variation 2825658 (VCV002825658.3), dbSNP rs2494777845, ClinGen allele CA376067752.